The following is an entry in ClinVar:

ClinVar aggregate classification (germline): Uncertain significance (1 of 4 stars; one submission).

Submission:

GeneDx
Classification: Uncertain significance. Last evaluated: 2021-02-09. Review status: criteria provided, single submitter. Criteria: GeneDx Variant Classification Process June 2021. Collection method: clinical testing. Allele origin: germline. Affected: yes.
Comment: Has not been previously published as pathogenic or benign to our knowledge; Not observed in large population cohorts (Lek et al., 2016); In silico analysis supports that this missense variant does not alter protein structure/function

NM_001110556.2(FLNA):c.6967G>A (p.Val2323Met)

Gene: FLNA (filamin A; minus strand). Cytogenetic location: Xq28.
Variant type: single nucleotide variant.
Coding change: c.6967G>A on transcript NM_001110556.2 (MANE Select); coding-DNA position 6967, G replaced by A.
Protein change: p.Val2323Met; replaces valine 2323 with methionine.
Molecular consequence: missense variant.
Genome position (GRCh38, 1-based): chrX:154,351,637, C>T on the plus strand (G>A on the coding strand, the complement: FLNA is on the minus strand). VCF-style: chrX-154351637-C-T. GRCh37 (hg19) VCF-style: chrX-153580005-C-T.
Other names: p.V2315M:GTG>ATG; c.6943G>A, p.Val2315Met (NM_001456.4); short protein forms V2315M, V2323M.
Identifiers: ClinVar variation 213483 (VCV000213483.3), dbSNP rs863223625, ClinGen allele CA321804.